The following is an entry in ClinVar:

ClinVar aggregate classification (germline): Benign/Likely benign. Review status: criteria provided, multiple submitters, no conflicts (2 of 4 stars). 12 submissions from 12 submitters: Benign (7); Likely benign (2). 3 of the submissions do not count toward it. Last evaluated 2026-09-17.

Conditions:
Atypical hemolytic-uremic syndrome with B factor anomaly. Also called: HEMOLYTIC UREMIC SYNDROME, ATYPICAL, SUSCEPTIBILITY TO, 4; AHUS, SUSCEPTIBILITY TO, 4. Identifiers: Orphanet 2134, MedGen C2752038, MONDO:0013042, OMIM 612924.
CFB-related disorder. Also called: CFB-related condition; CFB-related disorders.
Atypical hemolytic-uremic syndrome. Identifiers: Orphanet 2134, MedGen C2931788, MONDO:0016244.

Allele frequency attached by ClinVar (database versions not stated): 1000 Genomes Project 30x 0.02873; TOPMed 0.02889; 1000 Genomes Project 0.02915; ESP Exome Variant Server 0.03072; gnomAD 0.03288 and 0.03370; gnomAD exomes 0.03829 and 0.04276; ExAC 0.03856.

Submissions (12):

Genomenon, Inc
Classification: Benign for Atypical hemolytic-uremic syndrome. Last evaluated: 2026-09-17. Review status: criteria provided, single submitter. Criteria: Genomenon Sequence Variant Interpretation Standards - Updated. Collection method: curation. Allele origin: germline. Affected: no.
Comment: CFB c.504G>A is a synonymous variant that retains Proline at codon 168. This variant is present at high allele frequency in population databases. We classify CFB p.Pro168= (c.504G>A) as a benign variant.

Labcorp Genetics (formerly Invitae), Labcorp
Classification: Benign. Last evaluated: 2026-02-02. Review status: criteria provided, single submitter. Criteria: Invitae Variant Classification Sherloc (09022015). Collection method: clinical testing. Allele origin: germline.

Women's Health and Genetics/Laboratory Corporation of America, LabCorp
Classification: Benign. Last evaluated: 2026-01-21. Review status: criteria provided, single submitter. Criteria: LabCorp Variant Classification Summary - May 2015. Collection method: clinical testing. Allele origin: germline.

Blueprint Genetics
Classification: Likely benign. Last evaluated: 2024-11-26. Review status: criteria provided, single submitter. Criteria: ACMG Guidelines, 2015. Collection method: clinical testing. Allele origin: germline.

Mayo Clinic Laboratories, Mayo Clinic
Classification: Benign. Last evaluated: 2022-10-16. Review status: criteria provided, single submitter. Criteria: ACMG Guidelines, 2015. Collection method: clinical testing. Allele origin: germline. Observed: 147 variant alleles.

Genome Diagnostics Laboratory, The Hospital for Sick Children
Classification: Benign for Atypical hemolytic-uremic syndrome. Last evaluated: 2022-09-02. Review status: criteria provided, single submitter. Criteria: ACMG Guidelines, 2015. Collection method: clinical testing. Allele origin: germline.

GeneDx
Classification: Benign. Last evaluated: 2021-06-10. Review status: criteria provided, single submitter. Criteria: GeneDx Variant Classification Process June 2021. Collection method: clinical testing. Allele origin: germline. Affected: yes.

Illumina Laboratory Services, Illumina
Classification: Benign for Atypical hemolytic-uremic syndrome with B factor anomaly. Last evaluated: 2018-01-13. Review status: criteria provided, single submitter. Criteria: ICSL Variant Classification Criteria 13 December 2019. Collection method: clinical testing. Allele origin: germline.
Comment: This variant was observed in the ICSL laboratory as part of a predisposition screen in an ostensibly healthy population. It had not been previously curated by ICSL or reported in the Human Gene Mutation Database (HGMD: prior to June 1st, 2018), and was therefore a candidate for classification through an automated scoring system. Utilizing variant allele frequency, disease prevalence and penetrance estimates, and inheritance mode, an automated score was calculated to assess if this variant is too frequent to cause the disease. Based on the score and internal cut-off values, a variant classified as benign is not then subjected to further curation. The score for this variant resulted in a classification of benign for this disease.

Breakthrough Genomics
Classification: Likely benign. Review status: criteria provided, single submitter. Criteria: ACMG Guidelines, 2015. Collection method: not provided. Allele origin: germline. Inheritance: Autosomal recessive inheritance. Affected: yes.

PreventionGenetics, part of Exact Sciences
Classification: Benign for CFB-related condition. Last evaluated: 2019-07-26. Review status: no assertion criteria provided. Collection method: clinical testing. Allele origin: germline. Not counted in ClinVar's aggregate classification.
Comment: This variant is classified as benign based on ACMG/AMP sequence variant interpretation guidelines (Richards et al. 2015 PMID: 25741868, with internal and published modifications).

Genome Diagnostics Laboratory, University Medical Center Utrecht
Classification: Benign. Review status: no assertion criteria provided. Collection method: clinical testing. Allele origin: germline. Affected: yes. Study: VKGL Data-share Consensus. Not counted in ClinVar's aggregate classification.

Joint Genome Diagnostic Labs from Nijmegen and Maastricht, Radboudumc and MUMC+
Classification: Benign. Review status: no assertion criteria provided. Collection method: clinical testing. Allele origin: germline. Affected: yes. Study: VKGL Data-share Consensus. Not counted in ClinVar's aggregate classification.

NM_001710.6(CFB):c.504G>A (p.Pro168=)

Gene: CFB (complement factor B; plus strand). Cytogenetic location: 6p21.33.
Variant type: single nucleotide variant.
Coding change: c.504G>A on transcript NM_001710.6 (MANE Select); coding-DNA position 504, G replaced by A.
Protein change: p.Pro168=; no amino-acid change (proline 168 retained).
Molecular consequence: synonymous variant.
Genome position (GRCh38, 1-based): chr6:31,947,367, G>A. VCF-style: chr6-31947367-G-A. GRCh37 (hg19) VCF-style: chr6-31915144-G-A.
Other names: p.Pro168=.
Identifiers: ClinVar variation 356273 (VCV000356273.27), dbSNP rs4151669, ClinGen allele CA3728065.